The following is an entry in ClinVar:

ClinVar aggregate classification (germline): Uncertain significance (1 of 4 stars; one submission).

Conditions:
Developmental and epileptic encephalopathy 94 (DEE94). Also called: Epileptic encephalopathy, childhood-onset; CHD2-Related Neurodevelopmental Disorders. Identifiers: Orphanet 1942, Orphanet 2382, MedGen C3809278, MONDO:0014150, OMIM 615369.

Submission:

Labcorp Genetics (formerly Invitae), Labcorp
Classification: Uncertain significance for Developmental and epileptic encephalopathy 94. Last evaluated: 2021-08-25. Review status: criteria provided, single submitter. Criteria: Invitae Variant Classification Sherloc (09022015). Collection method: clinical testing. Allele origin: germline.
Comment: In summary, the available evidence is currently insufficient to determine the role of this variant in disease. Therefore, it has been classified as a Variant of Uncertain Significance. Algorithms developed to predict the effect of missense changes on protein structure and function are either unavailable or do not agree on the potential impact of this missense change (SIFT: "Not Available"; PolyPhen-2: "Probably Damaging"; Align-GVGD: "Not Available"). This variant has not been reported in the literature in individuals affected with CHD2-related conditions. The frequency data for this variant in the population databases is not available, as this variant may be reported as separate entries in the ExAC database. This sequence change replaces arginine with leucine at codon 1342 of the CHD2 protein (p.Arg1342Leu). The arginine residue is highly conserved and there is a moderate physicochemical difference between arginine and leucine.

NM_001271.4(CHD2):c.4025_4026delinsTA (p.Arg1342Leu)

Gene: CHD2 (chromodomain helicase DNA binding protein 2; plus strand). Cytogenetic location: 15q26.1.
Variant type: Indel.
Coding change: c.4025_4026delinsTA on transcript NM_001271.4 (MANE Select); coding-DNA positions 4025 to 4026, GG replaced by TA.
Protein change: p.Arg1342Leu; replaces arginine 1342 with leucine.
Molecular consequence: missense variant.
Genome position (GRCh38, 1-based): chr15:93,000,528-93,000,529, GG replaced by TA. VCF-style: chr15-93000528-GG-TA. GRCh37 (hg19) VCF-style: chr15-93543758-GG-TA.
Other names: short protein forms R1342L.
Identifiers: ClinVar variation 1465197 (VCV001465197.6), dbSNP rs2141871683, ClinGen allele CA2573151335.